The following is an entry in ClinVar:

ClinVar aggregate classification (germline): Likely benign (0 of 4 stars; one submission).

Conditions:
PHIP-related disorder. Also called: PHIP-related condition; PHIP-related disorders.

gnomAD v4.1: 1 of 150,314 alleles (0.00067%); highest among the groups gnomAD compares: African/African-American, 0.0024%; no homozygotes.

Submission:

PreventionGenetics, part of Exact Sciences
Classification: Likely benign for PHIP-related condition. Last evaluated: 2021-06-07. Review status: no assertion criteria provided. Collection method: clinical testing. Allele origin: germline.
Comment: This variant is classified as likely benign based on ACMG/AMP sequence variant interpretation guidelines (Richards et al. 2015 PMID: 25741868, with internal and published modifications).

NM_017934.7(PHIP):c.3656+1246C>A

Genes: IRAK1BP1 (interleukin 1 receptor associated kinase 1 binding protein 1; plus strand), PHIP (PHIP subunit of CUL4-Ring ligase complex; minus strand). Cytogenetic location: 6q14.1.
Variant type: single nucleotide variant.
Coding change: c.3656+1246C>A on transcript NM_017934.7 (MANE Select); 1246 bases into the intron after coding-DNA position 3656, C replaced by A.
Molecular consequence: intron variant.
Genome position (GRCh38, 1-based): chr6:78,960,444, G>T on the plus strand (C>A on the coding strand, the complement: PHIP is on the minus strand). VCF-style: chr6-78960444-G-T. GRCh37 (hg19) VCF-style: chr6-79670161-G-T.
Identifiers: ClinVar variation 3357822 (VCV003357822.1).